The following is an entry in ClinVar:

NM_032977.4(CASP10):c.684+4G>A

Gene: CASP10 (caspase 10; plus strand). Cytogenetic location: 2q33.1.
Variant type: single nucleotide variant.
Coding change: c.684+4G>A on transcript NM_032977.4 (MANE Select); 4 bases into the intron after coding-DNA position 684, G replaced by A.
Molecular consequence: intron variant.
Genome position (GRCh38, 1-based): chr2:201,195,952, G>A. VCF-style: chr2-201195952-G-A. GRCh37 (hg19) VCF-style: chr2-202060675-G-A.
Other names: c.684+4G>A (NM_032974.5, NM_001206542.2, NM_032976.4 and 3 more transcripts).
Identifiers: ClinVar variation 2948386 (VCV002948386.3), dbSNP rs374339540, ClinGen allele CA2052945.
Genomic context (GRCh38, chr2:201,195,952, plus strand): 5'-GGAGAGGAAGAACTAGTTTCCCAAACAGATGTTAAGACATTCTTGGAAGCCTTACCGGTA[G>A]GTTCAGTGGTGTGCTGGTCAATGCTTAACAACCGGCTCCACCCTCCAACCTCCCCTCCCT-3'

ClinVar aggregate classification (germline): Uncertain significance (1 of 4 stars; one submission).

Conditions:
Autoimmune lymphoproliferative syndrome type 2A (ALPS2A). Also called: Autoimmune lymphoproliferative syndrome type 2; CASP10-Related Autoimmune Lymphoproliferative Syndrome; AUTOIMMUNE LYMPHOPROLIFERATIVE SYNDROME, TYPE IIA. Identifiers: Orphanet 3261, MedGen C1858968, MONDO:0011383, OMIM 603909.

gnomAD v4.1: 6 of 1,595,454 alleles (0.00038%); highest among the groups gnomAD compares: Middle Eastern, 0.017%; no homozygotes.

Submission:

Labcorp Genetics (formerly Invitae), Labcorp
Classification: Uncertain significance for Autoimmune lymphoproliferative syndrome type 2A. Last evaluated: 2023-05-21. Review status: criteria provided, single submitter. Criteria: Invitae Variant Classification Sherloc (09022015). Collection method: clinical testing. Allele origin: germline.
Comment: This sequence change falls in intron 5 of the CASP10 gene. It does not directly change the encoded amino acid sequence of the CASP10 protein. It affects a nucleotide within the consensus splice site. This variant is present in population databases (rs374339540, gnomAD 0.004%). This variant has not been reported in the literature in individuals affected with CASP10-related conditions. Variants that disrupt the consensus splice site are a relatively common cause of aberrant splicing (PMID: 17576681, 9536098). Algorithms developed to predict the effect of sequence changes on RNA splicing suggest that this variant is not likely to affect RNA splicing. In summary, the available evidence is currently insufficient to determine the role of this variant in disease. Therefore, it has been classified as a Variant of Uncertain Significance.

Literature cited by the submitters: PubMed 17576681; PubMed 9536098.